The following is an entry in ClinVar:

ClinVar aggregate classification (germline): Uncertain significance. Review status: criteria provided, multiple submitters, no conflicts (2 of 4 stars). 4 submissions from 4 submitters: Uncertain significance (4). Last evaluated 2024-08-05.

Conditions:
Autosomal dominant nonsyndromic hearing loss 4A. Also called: Deafness, autosomal dominant 4A. Identifiers: Orphanet 90635, MedGen C1833503, MONDO:0010915, OMIM 600652.

Allele frequency attached by ClinVar (database versions not stated): gnomAD 0.00003 and 0.00004; gnomAD exomes 0.00003 and 0.00008; TOPMed 0.00003; ExAC 0.00010.
gnomAD v4.1: 55 of 1,613,252 alleles (0.0034%); highest among the groups gnomAD compares: South Asian, 0.026%; no homozygotes.

Submissions (4):

GeneDx
Classification: Uncertain significance. Last evaluated: 2024-08-05. Review status: criteria provided, single submitter. Criteria: GeneDx Variant Classification Process June 2021. Collection method: clinical testing. Allele origin: germline. Affected: yes.
Comment: In silico analysis supports that this missense variant has a deleterious effect on protein structure/function; Has not been previously published as pathogenic or benign to our knowledge

Labcorp Genetics (formerly Invitae), Labcorp
Classification: Uncertain significance. Last evaluated: 2021-02-11. Review status: criteria provided, single submitter. Criteria: Invitae Variant Classification Sherloc (09022015). Collection method: clinical testing. Allele origin: germline.
Comment: This sequence change replaces arginine with cysteine at codon 453 of the MYH14 protein (p.Arg453Cys). The arginine residue is highly conserved and there is a large physicochemical difference between arginine and cysteine. This variant is present in population databases (rs752732851, ExAC 0.04%), and has an allele count higher than expected for a pathogenic variant (PMID: 28166811). This variant has not been reported in the literature in individuals with MYH14-related conditions. ClinVar contains an entry for this variant (Variation ID: 439933). Algorithms developed to predict the effect of missense changes on protein structure and function (SIFT, PolyPhen-2, Align-GVGD) all suggest that this variant is likely to be disruptive, but these predictions have not been confirmed by published functional studies and their clinical significance is uncertain. In summary, the available evidence is currently insufficient to determine the role of this variant in disease. Therefore, it has been classified as a Variant of Uncertain Significance.

ARUP Laboratories, Molecular Genetics and Genomics, ARUP Laboratories
Classification: Uncertain significance. Last evaluated: 2016-10-28. Review status: criteria provided, single submitter. Criteria: ARUP Molecular Germline Variant Investigation Process. Collection method: clinical testing. Allele origin: germline.

Neuberg Centre For Genomic Medicine, NCGM
Classification: Uncertain significance for Autosomal dominant nonsyndromic hearing loss 4A. Review status: criteria provided, single submitter. Criteria: ACMG Guidelines, 2015. Collection method: clinical testing. Allele origin: germline. Inheritance: Autosomal dominant inheritance. Affected: yes.
Comment: The missense variant p.R453C in MYH14 (NM_024729.4) has not been reported previously as a pathogenic variant nor as a benign variant, to our knowledge. The p.R453C missense variant is predicted to be damaging by both SIFT and PolyPhen2. The arginine residue at codon 453 of MYH14 is conserved in all mammalian species. The nucleotide c.1357 in MYH14 is predicted conserved by GERP++ and PhyloP across 100 vertebrates. For these reasons, this variant has been classified as Uncertain Significance.

Literature cited by the submitters: PubMed 28166811 (cited by Labcorp Genetics (formerly Invitae), Labcorp).

NM_001145809.2(MYH14):c.1381C>T (p.Arg461Cys)

Gene: MYH14 (myosin heavy chain 14; plus strand). Cytogenetic location: 19q13.33.
Variant type: single nucleotide variant.
Coding change: c.1381C>T on transcript NM_001145809.2 (MANE Select); coding-DNA position 1381, C replaced by T.
Protein change: p.Arg461Cys; replaces arginine 461 with cysteine.
Molecular consequence: missense variant.
Genome position (GRCh38, 1-based): chr19:50,249,038, C>T. VCF-style: chr19-50249038-C-T. GRCh37 (hg19) VCF-style: chr19-50752295-C-T.
Other names: c.1381C>T, p.Arg461Cys (NM_001077186.2); c.1357C>T, p.Arg453Cys (NM_024729.4); c.1357C>T (NM_024729.3); short protein forms R461C, R453C.
Identifiers: ClinVar variation 439933 (VCV000439933.16), dbSNP rs752732851, ClinGen allele CA9592616.
Genomic context (GRCh38, chr19:50,249,038, plus strand): 5'-GTCCCACAGGCTGACTTCGCGCTGGAGGCCCTGGCCAAGGCCACCTACGAGCGCCTCTTC[C>T]GCTGGCTGGTTCTGCGCCTCAACCGGGCCTTGGACCGCAGCCCCCGCCAAGGCGCCTCCT-3'
Protein context (NP_001139281.1, residues 451-471): LAKATYERLF[Arg461Cys]WLVLRLNRAL